The following is an entry in ClinVar:

ClinVar aggregate classification (germline): Uncertain significance. Review status: reviewed by expert panel (3 of 4 stars). 8 submissions from 8 submitters: Uncertain significance (1). 7 of the submissions do not count toward it. Last evaluated 2021-03-22.

Conditions:
Cardiovascular phenotype. Identifiers: MedGen CN230736.
Cardiomyopathy (CMYO). Also called: Cardiomyopathies. Identifiers: Orphanet 167848, MedGen C0878544, MONDO:0004994, HP:0001638. Inheritance: Various modes of inheritance.
Hypertrophic cardiomyopathy 1 (CMH1). Also called: MYH7-Related Familial Hypertrophic Cardiomyopathy; Familial hypertrophic cardiomyopathy 1. Identifiers: MedGen C3495498, MONDO:0008647, OMIM 192600.
Hypertrophic cardiomyopathy. Also called: HYPERTROPHIC MYOCARDIOPATHY. Identifiers: Orphanet 217569, MedGen C0007194, MeSH D002312, MONDO:0005045, HP:0001639.

Allele frequency attached by ClinVar (database versions not stated): gnomAD 0.00001; TOPMed 0.00001.

Submissions (8):

ClinGen Cardiomyopathy Variant Curation Expert Panel
Classification: Uncertain significance for Hypertrophic cardiomyopathy. Last evaluated: 2021-03-22. Review status: reviewed by expert panel. Criteria: ClinGen CMP ACMG Specifications v1. Collection method: curation. Allele origin: germline. Inheritance: Autosomal dominant inheritance.
Comment: The c.3337G>A (p.Ala1113Thr) variant in MYH7 has been identified in 6 individuals with HCM (PS4_Moderate; GeneDx pers. comm.; Invitae pers. comm.; OMGL pers. comm.). This variant was absent from large population studies (PM2;, v.2.1.1). Computational prediction tools and conservation analysis were mixed about the potential impact of this variant. In summary, due to insufficient evidence, this variant is classified as uncertain significance for hypertrophic cardiomyopathy in an autosomal dominant manner. MYH7-specific ACMG/AMP criteria applied (Kelly 2018 PMID:29300372): PS4_Moderate; PM2

Labcorp Genetics (formerly Invitae), Labcorp
Classification: Likely pathogenic for Hypertrophic cardiomyopathy. Last evaluated: 2025-12-17. Review status: criteria provided, single submitter. Criteria: Invitae Variant Classification Sherloc (09022015). Collection method: clinical testing. Allele origin: germline. Not counted in ClinVar's aggregate classification.
Comment: This sequence change replaces alanine, which is neutral and non-polar, with threonine, which is neutral and polar, at codon 1113 of the MYH7 protein (p.Ala1113Thr). This variant is not present in population databases (gnomAD no frequency). This missense change has been observed in individuals with clinical features of hypertrophic cardiomyopathy (internal data). ClinVar contains an entry for this variant (Variation ID: 36638). An algorithm developed to predict the effect of missense changes on protein structure and function (PolyPhen-2) suggests that this variant is likely to be disruptive. In summary, the currently available evidence indicates that the variant is pathogenic, but additional data are needed to prove that conclusively. Therefore, this variant has been classified as Likely Pathogenic.

GeneDx
Classification: Uncertain significance. Last evaluated: 2025-08-15. Review status: criteria provided, single submitter. Criteria: GeneDx Variant Classification Process June 2021. Collection method: clinical testing. Allele origin: germline. Affected: yes. Not counted in ClinVar's aggregate classification.
Comment: Has not been previously published as pathogenic or benign in association with an MYH7-related disorder to our knowledge; Not observed at significant frequency in large population cohorts (gnomAD); In silico analysis suggests that this missense variant does not alter protein structure/function; This variant is associated with the following publications: (PMID: 34542152)

Victorian Clinical Genetics Services, Murdoch Childrens Research Institute
Classification: Uncertain significance for Hypertrophic cardiomyopathy 1. Last evaluated: 2025-07-21. Review status: criteria provided, single submitter. Criteria: ACMG Guidelines, 2015. Collection method: clinical testing. Allele origin: germline. Affected: yes. Not counted in ClinVar's aggregate classification.
Comment: This variant is classified as VUS-3B. Evidence in support of pathogenic classification: Variant is present in gnomAD <0.01 (v4: 18 heterozygote(s), 0 homozygote(s)). Additional information: Variant is predicted to result in a missense amino acid change from Ala to Thr; This variant is heterozygous; This gene is associated with both recessive and dominant disease. Disease associated with this gene usually has autosomal dominant inheritance; however, a recessive inheritance pattern has been observed in severe cases (OMIM); Previous evidence of pathogenicity for this variant is inconclusive. This variant has been classified as a VUS by the ClinGen expert panel, and seen in multiple individuals with hypertrophic cardiomyopathy (ClinGen Cardiomyopathy Variant Curation Expert Panel); No published functional evidence has been identified for this variant; Other missense variant(s) comparable to the one identified in this case have inconclusive previous evidence for pathogenicity. p.(Ala1113Glu) and p.(Ala1113Gly) have both been classified as a VUS by clinical laboratories in ClinVar; Variant is located in the annotated myosin tail domain (DECIPHER); Missense variant with inconclusive in silico prediction and uninformative conservation; The mechanism of disease for this gene is not clearly established; however, missense variants have been proposed to act in a dominant negative manner (PMID: 24714796); The condition associated with this gene has incomplete penetrance (PMID: 29300372); Inheritance information for this variant is not currently available in this individual.

Color Diagnostics, LLC DBA Color Health
Classification: Uncertain significance for Cardiomyopathy. Last evaluated: 2025-02-11. Review status: criteria provided, single submitter. Criteria: ACMG Guidelines, 2015. Collection method: clinical testing. Allele origin: germline. Not counted in ClinVar's aggregate classification.
Comment: This missense variant replaces alanine with threonine at codon 1113 of the MYH7 protein. Computational prediction is inconclusive regarding the impact of this variant on protein structure and function. To our knowledge, functional studies have not been reported for this variant. This variant has not been reported in individuals affected with MYH7-related disorders in the literature. This variant has not been identified in the general population by the Genome Aggregation Database (gnomAD). The available evidence is insufficient to determine the role of this variant in disease conclusively. Therefore, this variant is classified as a Variant of Uncertain Significance.

All of Us Research Program, National Institutes of Health
Classification: Uncertain significance for Cardiomyopathy. Last evaluated: 2023-12-13. Review status: criteria provided, single submitter. Criteria: ACMG Guidelines, 2015. Collection method: clinical testing. Allele origin: germline. Inheritance: Autosomal dominant inheritance. Observed: 5 variant alleles, 5 heterozygotes. Not counted in ClinVar's aggregate classification.
Comment: This missense variant replaces alanine with threonine at codon 1113 of the MYH7 protein. Computational prediction is inconclusive regarding the impact of this variant on protein structure and function (internally defined REVEL score threshold 0.5 < inconclusive < 0.7, PMID: 27666373). To our knowledge, functional studies have not been reported for this variant. This variant has not been reported in individuals affected with MYH7-related disorders in the literature. This variant has not been identified in the general population by the Genome Aggregation Database (gnomAD). The available evidence is insufficient to determine the role of this variant in disease conclusively. Therefore, this variant is classified as a Variant of Uncertain Significance.

This study involves interpretation of variants in research participants for the purpose of population health screening. Participant phenotype was not available at the time of variant classification. Additional details can be found in publication PMID: 35346344, PMCID: PMC8962531

Ambry Genetics
Classification: Uncertain significance for Cardiovascular phenotype. Last evaluated: 2021-08-18. Review status: criteria provided, single submitter. Criteria: Ambry Variant Classification Scheme 2023. Collection method: clinical testing. Allele origin: germline. Not counted in ClinVar's aggregate classification.

Women's Health and Genetics/Laboratory Corporation of America, LabCorp
Classification: Uncertain significance. Last evaluated: 2016-06-02. Review status: criteria provided, single submitter. Criteria: LabCorp Variant Classification Summary - May 2015. Collection method: clinical testing. Allele origin: germline. Not counted in ClinVar's aggregate classification.
Comment: Variant summary: The c.3337G>A (p.Ala1113Thr) in MYH7 gene is a missense change that involves a conserved nucleotide and 4/5 in silico tools predict deleterious outcome. The variant is absent from the control population dataset of ExAC. The variant of interest has been reported as Likely Pathogenic by reputable database/clinical laboratory. Since most of the carriers of the variant of interest did not have features of HCM and a family history suggests a presence of a hereditary arrhythmia, which could have explain SCD in one carrier, additional clinical, segregation and population data needed to classify this variant with confidence. Taking together, the variant was classified as VUS.

Literature cited by the submitters: PubMed 29300372 (cited by Victorian Clinical Genetics Services, Murdoch Childrens Research Institute); PubMed 24714796 (cited by Victorian Clinical Genetics Services, Murdoch Childrens Research Institute).

NM_000257.4(MYH7):c.3337G>A (p.Ala1113Thr)

Gene: MYH7 (myosin heavy chain 7; minus strand). Cytogenetic location: 14q11.2.
Variant type: single nucleotide variant.
Coding change: c.3337G>A on transcript NM_000257.4 (MANE Select); coding-DNA position 3337, G replaced by A.
Protein change: p.Ala1113Thr; replaces alanine 1113 with threonine.
Molecular consequence: missense variant.
Genome position (GRCh38, 1-based): chr14:23,420,234, C>T on the plus strand (G>A on the coding strand, the complement: MYH7 is on the minus strand). VCF-style: chr14-23420234-C-T. GRCh37 (hg19) VCF-style: chr14-23889443-C-T.
Other names: p.A1113T:GCA>ACA; NM_000257.4(MYH7):c.3337G>A; c.3337G>A (LRG_384t1); short protein forms A1113T.
Identifiers: ClinVar variation 36638 (VCV000036638.23), dbSNP rs193922388, ClinGen allele CA013599.
Genomic context (GRCh38, chr14:23,420,234, plus strand): 5'-CCACCTTAGCCCTGGCGGTGCGCTCGGCCTCCAGCTCCTCCTCCAGCTCCTCGATGCGTG[C>T]CTGGTCAGACACAAAGGGCTCAGACCCACCGCCTGGACCCCTCCACTGGAATCCCCCCGG-3'
Protein context (NP_000248.2, residues 1103-1123): QLQKKLKELQ[Ala1113Thr]RIEELEEELE